The following is an entry in ClinVar:

ClinVar aggregate classification (germline): Likely pathogenic (1 of 4 stars; one submission).

Conditions:
Neuronal ceroid lipofuscinosis. Also called: Neuronal Ceroid Lipofuscinoses. Identifiers: Orphanet 216, Orphanet 79263, MedGen C0027877, MONDO:0016295. Disease mechanism: loss of function.

Submission:

Labcorp Genetics (formerly Invitae), Labcorp
Classification: Likely pathogenic for Neuronal ceroid lipofuscinosis. Last evaluated: 2021-09-18. Review status: criteria provided, single submitter. Criteria: Invitae Variant Classification Sherloc (09022015). Collection method: clinical testing. Allele origin: germline.
Comment: The frequency data for this variant in the population databases is considered unreliable, as metrics indicate insufficient coverage at this position in the ExAC database. This variant results in the deletion of part of exon 1 of the CLN5 gene. It is expected to disrupt RNA splicing. Variants that disrupt the donor or acceptor splice site typically lead to a loss of protein function (PMID: 16199547), and loss-of-function variants in CLN5 are known to be pathogenic (PMID: 20157158). This variant has not been reported in the literature in individuals affected with CLN5-related conditions. In summary, the currently available evidence indicates that the variant is pathogenic, but additional data are needed to prove that conclusively. Therefore, this variant has been classified as Likely Pathogenic.

Literature cited by the submitters: PubMed 16199547; PubMed 20157158.

NC_000013.11:g.76992041_76992352del

Genes: CLN5 (CLN5 lysosomal BMP synthase; plus strand), LOC130009913 (ATAC-STARR-seq lymphoblastoid silent region 5414; plus strand). Cytogenetic location: 13q22.3.
Variant type: Deletion.
Genome position: GRCh38: chr13:76,992,041-76,992,352. GRCh37 (hg19): chr13:77,566,176-77,566,487.
Identifiers: ClinVar variation 1467983 (VCV001467983.6), dbSNP rs2154034211, ClinGen allele CA2573149748.